The following is an entry in ClinVar:

ClinVar aggregate classification (germline): Benign. Review status: criteria provided, multiple submitters, no conflicts (2 of 4 stars). 5 submissions from 4 submitters: Benign (5). Last evaluated 2021-07-01.

Conditions:
Usher syndrome type 1D (USH1D). Also called: USHER SYNDROME, TYPE ID. Identifiers: Orphanet 231169, Orphanet 886, MedGen C1832845, MONDO:0010984, OMIM 601067.
Autosomal recessive nonsyndromic hearing loss 12. Also called: DEAFNESS, AUTOSOMAL RECESSIVE 12. Identifiers: Orphanet 90636, MedGen C1832394, MONDO:0011067, OMIM 601386.

Allele frequency attached by ClinVar (database versions not stated): 1000 Genomes Project 30x 0.90943; TOPMed 0.91486; 1000 Genomes Project 0.91514; gnomAD 0.92381 and 0.92700; ESP Exome Variant Server 0.92842; gnomAD exomes 0.95545 and 0.96353; ExAC 0.96240.
gnomAD v4.1: 1,263,425 of 1,317,136 alleles (96%); highest among the groups gnomAD compares: East Asian, 100%; 606,967 homozygotes.

Submissions (5):

Genome-Nilou Lab
Classification: Benign for Usher syndrome type 1D. Last evaluated: 2021-07-01. Review status: criteria provided, single submitter. Criteria: ACMG Guidelines, 2015. Collection method: clinical testing. Allele origin: germline. Affected: no.

Genome-Nilou Lab
Classification: Benign for Autosomal recessive nonsyndromic hearing loss 12. Last evaluated: 2021-07-01. Review status: criteria provided, single submitter. Criteria: ACMG Guidelines, 2015. Collection method: clinical testing. Allele origin: germline. Affected: no.

GeneDx
Classification: Benign. Last evaluated: 2018-06-13. Review status: criteria provided, single submitter. Criteria: GeneDx Variant Classification (06012015). Collection method: clinical testing. Allele origin: germline. Affected: yes.
Comment: This variant is considered likely benign or benign based on one or more of the following criteria: it is a conservative change, it occurs at a poorly conserved position in the protein, it is predicted to be benign by multiple in silico algorithms, and/or has population frequency not consistent with disease.

Breakthrough Genomics
Classification: Benign. Review status: criteria provided, single submitter. Criteria: ACMG Guidelines, 2015. Collection method: not provided. Allele origin: germline. Inheritance: Autosomal recessive inheritance. Affected: yes.

PreventionGenetics, part of Exact Sciences
Classification: Benign. Review status: criteria provided, single submitter. Criteria: ACMG Guidelines, 2015. Collection method: clinical testing. Allele origin: germline.

NM_022124.6(CDH23):c.1753-43T>C

Gene: CDH23 (cadherin related 23; plus strand). Cytogenetic location: 10q22.1.
Variant type: single nucleotide variant.
Coding change: c.1753-43T>C on transcript NM_022124.6 (MANE Select); 43 bases into the intron before coding-DNA position 1753, T replaced by C.
Molecular consequence: intron variant.
Genome position (GRCh38, 1-based): chr10:71,679,344, T>C. VCF-style: chr10-71679344-T-C. GRCh37 (hg19) VCF-style: chr10-73439101-T-C.
Other names: c.1753-43T>C (NM_001171930.2, NM_001171931.2).
Identifiers: ClinVar variation 261543 (VCV000261543.6), dbSNP rs1227042, ClinGen allele CA5543945.